The following is an entry in ClinVar:

GRCh37/hg19 3q13.2-13.31(chr3:112183943-115492949)x1

Genes: ATG3 (autophagy related 3; minus strand), ATP6V1A (ATPase H+ transporting V1 subunit A; plus strand), BOC (BOC cell adhesion associated, oncogene regulated; plus strand), BTLA (B and T lymphocyte associated; minus strand), CCDC191 (coiled-coil domain containing 191; minus strand) and 19 more. Cytogenetic location: 3q13.2-13.31.
Variant type: copy number loss.
Change: copy number 1 (one copy instead of two) of chr3:112,183,943-115,492,949 (3.31 Mb, GRCh37 coordinates, 1-based), cytogenetic band 3q13.2-13.31.
Identifiers: ClinVar variation 666447 (VCV000666447.3).

ClinVar aggregate classification (germline): Pathogenic (1 of 4 stars; one submission).

Submission:

Centro Nacional de Genética Medica, Administración Nacional de Laboratorios e Institutos de Salud (ANLIS) “Dr. Carlos G Malbrán”
Classification: Pathogenic. Last evaluated: 2019-01-01. Review status: criteria provided, single submitter. Criteria: ACMG CNV Guidelines, 2011. Collection method: clinical testing. Allele origin: germline. Affected: yes.